The following is an entry in ClinVar:

NM_138459.5(NUS1):c.845G>A (p.Arg282His)

Gene: NUS1 (NUS1 dehydrodolichyl diphosphate synthase subunit; plus strand). Cytogenetic location: 6q22.1.
Variant type: single nucleotide variant.
Coding change: c.845G>A on transcript NM_138459.5 (MANE Select); coding-DNA position 845, G replaced by A.
Protein change: p.Arg282His; replaces arginine 282 with histidine.
Molecular consequence: missense variant.
Genome position (GRCh38, 1-based): chr6:117,706,978, G>A. VCF-style: chr6-117706978-G-A. GRCh37 (hg19) VCF-style: chr6-118028141-G-A.
Other names: short protein forms R282H.
Identifiers: ClinVar variation 837301 (VCV000837301.30), dbSNP rs140791750, ClinGen allele CA3977216.

ClinVar aggregate classification (germline): Uncertain significance. Review status: criteria provided, multiple submitters, no conflicts (2 of 4 stars). 2 submissions from 2 submitters: Uncertain significance (2). Last evaluated 2025-05-26.

Conditions:
Congenital disorder of glycosylation, type Iaa. Also called: Congenital disorder of glycosylation, type 1aa. Identifiers: MedGen C4310727, MONDO:0014904, OMIM 617082.

Allele frequency attached by ClinVar (database versions not stated): gnomAD 0.00001; ExAC 0.00002; gnomAD exomes 0.00002 and 0.00005; TOPMed 0.00003; ESP Exome Variant Server 0.00008.
gnomAD v4.1: 67 of 1,612,420 alleles (0.0042%); highest among the groups gnomAD compares: South Asian, 0.012%; 1 homozygote.

Submissions (2):

Labcorp Genetics (formerly Invitae), Labcorp
Classification: Uncertain significance for Congenital disorder of glycosylation, type Iaa. Last evaluated: 2025-05-26. Review status: criteria provided, single submitter. Criteria: Invitae Variant Classification Sherloc (09022015). Collection method: clinical testing. Allele origin: germline.
Comment: This sequence change replaces arginine, which is basic and polar, with histidine, which is basic and polar, at codon 282 of the NUS1 protein (p.Arg282His). This variant is present in population databases (rs140791750, gnomAD 0.01%). This variant has not been reported in the literature in individuals affected with NUS1-related conditions. ClinVar contains an entry for this variant (Variation ID: 837301). An algorithm developed to predict the effect of missense changes on protein structure and function outputs the following: PolyPhen-2: "Benign". The histidine amino acid residue is found in multiple mammalian species, which suggests that this missense change does not adversely affect protein function. In summary, the available evidence is currently insufficient to determine the role of this variant in disease. Therefore, it has been classified as a Variant of Uncertain Significance.

CeGaT Center for Human Genetics Tuebingen
Classification: Uncertain significance. Last evaluated: 2024-01-01. Review status: criteria provided, single submitter. Criteria: CeGaT Center For Human Genetics Tuebingen Variant Classification Criteria Version 2. Collection method: clinical testing. Allele origin: germline. Affected: yes. Observed: 1 variant allele.
Comment: NUS1: PM2, BP4